The following is an entry in ClinVar:

NM_000138.5(FBN1):c.7251dup (p.Cys2418fs)

Gene: FBN1 (fibrillin 1; minus strand). Cytogenetic location: 15q21.1.
Variant type: Duplication.
Coding change: c.7251dup on transcript NM_000138.5 (MANE Select); coding-DNA position 7251, one base duplicated (A; older notation c.7251dupA).
Protein change: p.Cys2418fs; shifts the reading frame from cysteine 2418.
Molecular consequence: frameshift variant.
Genome position (GRCh38, 1-based): chr15:48,425,818, T duplicated on the plus strand (A on the coding strand, the reverse complement: FBN1 is on the minus strand); the first of 2 consecutive T bases (chr15:48,425,818-48,425,819); duplicating either gives the same sequence. VCF-style (leftmost placement, unchanged base first): chr15-48425817-A-AT. GRCh37 (hg19) VCF-style: chr15-48718014-A-AT.
Other names: c.7251dupA (NM_000138.4); short protein forms C2418fs.
Identifiers: ClinVar variation 570130 (VCV000570130.7), dbSNP rs1566892906, ClinGen allele CA891844185.

ClinVar aggregate classification (germline): Pathogenic. Review status: criteria provided, multiple submitters, no conflicts (2 of 4 stars). 2 submissions from 2 submitters: Pathogenic (2). Last evaluated 2025-06-18.

Conditions:
Familial thoracic aortic aneurysm and aortic dissection (TAAD). Also called: Thoracic aortic aneurysms and dissections. Identifiers: Orphanet 91387, MedGen C4707243, MONDO:0019625.
Marfan syndrome (MFS). Also called: FBN1-Related Marfan Syndrome; Marfan syndrome type 1; Marfan's syndrome; Marfan syndrome, classic; MARFAN SYNDROME, TYPE I. Identifiers: Orphanet 284963, Orphanet 558, MedGen C0024796, MONDO:0007947, OMIM 154700.

Submissions (2):

Ambry Genetics
Classification: Pathogenic for Familial thoracic aortic aneurysm and aortic dissection. Last evaluated: 2025-06-18. Review status: criteria provided, single submitter. Criteria: Ambry Variant Classification Scheme 2023. Collection method: clinical testing. Allele origin: germline.
Comment: The c.7251dupA pathogenic mutation, located in coding exon 58 of the FBN1 gene, results from a duplication of A at nucleotide position 7251, causing a translational frameshift with a predicted alternate stop codon (p.C2418Mfs*4). This variant is considered to be rare based on population cohorts in the Genome Aggregation Database (gnomAD). This alteration is expected to result in loss of function by premature protein truncation or nonsense-mediated mRNA decay. As such, this alteration is interpreted as a disease-causing mutation.

Labcorp Genetics (formerly Invitae), Labcorp
Classification: Pathogenic for Marfan syndrome; Familial thoracic aortic aneurysm and aortic dissection. Last evaluated: 2022-09-01. Review status: criteria provided, single submitter. Criteria: Invitae Variant Classification Sherloc (09022015). Collection method: clinical testing. Allele origin: germline.
Comment: ClinVar contains an entry for this variant (Variation ID: 570130). For these reasons, this variant has been classified as Pathogenic. This variant has not been reported in the literature in individuals affected with FBN1-related conditions. This sequence change creates a premature translational stop signal (p.Cys2418Metfs*4) in the FBN1 gene. It is expected to result in an absent or disrupted protein product. Loss-of-function variants in FBN1 are known to be pathogenic (PMID: 17657824, 19293843). This variant is not present in population databases (gnomAD no frequency).

Literature cited by the submitters: PubMed 17657824 (cited by Labcorp Genetics (formerly Invitae), Labcorp); PubMed 19293843 (cited by Labcorp Genetics (formerly Invitae), Labcorp).